The following is an entry in ClinVar:

ClinVar aggregate classification (germline): Uncertain significance (1 of 4 stars; one submission).

Conditions:
Hereditary cancer-predisposing syndrome. Also called: Neoplastic Syndromes, Hereditary; Tumor predisposition; Hereditary Cancer Syndrome; Hereditary neoplastic syndrome. Identifiers: Orphanet 140162, MedGen C0027672, MeSH D009386, MONDO:0015356.

Submission:

Ambry Genetics
Classification: Uncertain significance for Hereditary cancer-predisposing syndrome. Last evaluated: 2026-04-12. Review status: criteria provided, single submitter. Criteria: Ambry Variant Classification Scheme 2023. Collection method: clinical testing. Allele origin: germline.
Comment: The p.L156M variant (also known as c.466T>A), located in coding exon 4 of the DICER1 gene, results from a T to A substitution at nucleotide position 466. The leucine at codon 156 is replaced by methionine, an amino acid with highly similar properties. This amino acid position is conserved. In addition, the in silico prediction for this alteration is inconclusive. Based on the available evidence, the clinical significance of this variant remains unclear.

NM_177438.3(DICER1):c.466T>A (p.Leu156Met)

Gene: DICER1 (dicer 1, ribonuclease III; minus strand). Cytogenetic location: 14q32.13.
Variant type: single nucleotide variant.
Coding change: c.466T>A on transcript NM_177438.3 (MANE Select); coding-DNA position 466, T replaced by A.
Protein change: p.Leu156Met; replaces leucine 156 with methionine.
Molecular consequence: missense variant. On other transcripts: non-coding transcript variant (6), intron variant (1), 5 prime UTR variant (1).
Genome position (GRCh38, 1-based): chr14:95,130,165, A>T on the plus strand (T>A on the coding strand, the complement: DICER1 is on the minus strand). VCF-style: chr14-95130165-A-T. GRCh37 (hg19) VCF-style: chr14-95596502-A-T.
Other names: c.-20-82T>A (NM_001395691.1); c.466T>A, p.Leu156Met (NM_001195573.1, NM_001271282.3, NM_001291628.2 and 14 more transcripts); c.184T>A, p.Leu62Met (NM_001395686.1); c.61T>A, p.Leu21Met (NM_001395687.1, NM_001395688.1, NM_001395689.1 and 3 more transcripts); c.-1103T>A (NM_001395697.1); short protein forms L156M, L21M, L62M.
Identifiers: ClinVar variation 4869757 (VCV004869757.1).